The following is an entry in ClinVar:

ClinVar aggregate classification (germline): Uncertain significance (1 of 4 stars; one submission).

Conditions:
Nephronophthisis. Also called: Juvenile Nephronophthisis. Identifiers: Orphanet 655, MedGen C0687120, MONDO:0019005, HP:0000090.

Allele frequency attached by ClinVar (database versions not stated): gnomAD exomes below 0.00001 and 0.00001; TOPMed 0.00001; ExAC 0.00002; gnomAD 0.00002.

Submission:

Labcorp Genetics (formerly Invitae), Labcorp
Classification: Uncertain significance for Nephronophthisis. Last evaluated: 2020-07-22. Review status: criteria provided, single submitter. Criteria: Invitae Variant Classification Sherloc (09022015). Collection method: clinical testing. Allele origin: germline.
Comment: This sequence change replaces valine with alanine at codon 103 of the NPHP3 protein (p.Val103Ala). The valine residue is moderately conserved and there is a small physicochemical difference between valine and alanine. This variant is present in population databases (rs764479243, ExAC 0.003%). This variant has not been reported in the literature in individuals with NPHP3-related conditions. Algorithms developed to predict the effect of missense changes on protein structure and function are either unavailable or do not agree on the potential impact of this missense change (SIFT: "Deleterious"; PolyPhen-2: "Benign"; Align-GVGD: "Class C0"). In summary, the available evidence is currently insufficient to determine the role of this variant in disease. Therefore, it has been classified as a Variant of Uncertain Significance.

NM_153240.5(NPHP3):c.308T>C (p.Val103Ala)

Genes: NPHP3 (nephrocystin 3; minus strand), NPHP3-ACAD11 (NPHP3-ACAD11 readthrough (NMD candidate); minus strand), NPHP3-AS1 (NPHP3 antisense RNA 1; plus strand). Cytogenetic location: 3q22.1.
Variant type: single nucleotide variant.
Coding change: c.308T>C on transcript NM_153240.5 (MANE Select); coding-DNA position 308, T replaced by C.
Protein change: p.Val103Ala; replaces valine 103 with alanine.
Molecular consequence: missense variant. On other transcripts: non-coding transcript variant (3).
Genome position (GRCh38, 1-based): chr3:132,722,048, A>G on the plus strand (T>C on the coding strand, the complement: NPHP3 is on the minus strand). VCF-style: chr3-132722048-A-G. GRCh37 (hg19) VCF-style: chr3-132440892-A-G.
Other names: short protein forms V103A.
Identifiers: ClinVar variation 1009912 (VCV001009912.6), dbSNP rs764479243, ClinGen allele CA2622664.